The following is an entry in ClinVar:

ClinVar aggregate classification (germline): Uncertain significance (1 of 4 stars; one submission).

Allele frequency attached by ClinVar (database versions not stated): TOPMed below 0.00001.
gnomAD v4.1: 2 of 1,613,866 alleles (0.00012%); highest among the groups gnomAD compares: Non-Finnish European, 0.00017%; no homozygotes.

Submission:

Labcorp Genetics (formerly Invitae), Labcorp
Classification: Uncertain significance. Last evaluated: 2022-10-08. Review status: criteria provided, single submitter. Criteria: Invitae Variant Classification Sherloc (09022015). Collection method: clinical testing. Allele origin: germline.
Comment: This sequence change replaces methionine, which is neutral and non-polar, with threonine, which is neutral and polar, at codon 4689 of the HMCN1 protein (p.Met4689Thr). This variant is present in population databases (rs771038172, gnomAD 0.0009%). In summary, the available evidence is currently insufficient to determine the role of this variant in disease. Therefore, it has been classified as a Variant of Uncertain Significance. Algorithms developed to predict the effect of missense changes on protein structure and function output the following: SIFT: "Tolerated"; PolyPhen-2: "Benign"; Align-GVGD: "Class C0". The threonine amino acid residue is found in multiple mammalian species, which suggests that this missense change does not adversely affect protein function. This variant has not been reported in the literature in individuals affected with HMCN1-related conditions.

NM_031935.3(HMCN1):c.14066T>C (p.Met4689Thr)

Gene: HMCN1 (hemicentin 1; plus strand). Cytogenetic location: 1q31.1.
Variant type: single nucleotide variant.
Coding change: c.14066T>C on transcript NM_031935.3 (MANE Select); coding-DNA position 14066, T replaced by C.
Protein change: p.Met4689Thr; replaces methionine 4689 with threonine.
Molecular consequence: missense variant.
Genome position (GRCh38, 1-based): chr1:186,144,314, T>C. VCF-style: chr1-186144314-T-C. GRCh37 (hg19) VCF-style: chr1-186113446-T-C.
Other names: short protein forms M4689T.
Identifiers: ClinVar variation 1939046 (VCV001939046.5), dbSNP rs771038172, ClinGen allele CA1294845.
Genomic context (GRCh38, chr1:186,144,314, plus strand): 5'-TTTGTAATAACCCACCACCAGCGTTTGGTGGGTCCTACTGTGATGGAGCAGAAACACAGA[T>C]GCAAGTTTGCAATGAAAGAAATTGTCCAAGTAAGAGAAATACACTGTTTATACCTTAATA-3'
Protein context (NP_114141.2, residues 4679-4699): GSYCDGAETQ[Met4689Thr]QVCNERNCPI